The following is an entry in ClinVar:

NM_000089.4(COL1A2):c.892G>T (p.Gly298Cys)

Gene: COL1A2 (collagen type I alpha 2 chain; plus strand). Cytogenetic location: 7q21.3.
Variant type: single nucleotide variant.
Coding change: c.892G>T on transcript NM_000089.4 (MANE Select); coding-DNA position 892, G replaced by T.
Protein change: p.Gly298Cys; replaces glycine 298 with cysteine.
Molecular consequence: missense variant.
Genome position (GRCh38, 1-based): chr7:94,409,564, G>T. VCF-style: chr7-94409564-G-T. GRCh37 (hg19) VCF-style: chr7-94038876-G-T.
Other names: short protein forms G298C.
Identifiers: ClinVar variation 4075365 (VCV004075365.1).

ClinVar aggregate classification (germline): Pathogenic (1 of 4 stars; one submission).

Conditions:
Osteogenesis imperfecta with normal sclerae, dominant form (OI4). Also called: Common Variable Osteogenesis Imperfecta with Normal Sclerae; OSTEOGENESIS IMPERFECTA, TYPE IV, WITH DENTINOGENESIS IMPERFECTA; Osteogenesis Imperfecta Type IV; OSTEOGENESIS IMPERFECTA WITH NORMAL SCLERAE; Osteogenesis imperfecta type 4. Identifiers: Orphanet 216820, Orphanet 666, MedGen C0268363, MONDO:0008148, OMIM 166220.

Submission:

Clinical Biomedical Laboratory, Shriners Hospital For Children - Canada
Classification: Pathogenic for Osteogenesis imperfecta with normal sclerae, dominant form. Last evaluated: 2025-07-16. Review status: criteria provided, single submitter. Criteria: ACMG Guidelines, 2015. Collection method: clinical testing. Allele origin: germline. Affected: yes.
Comment: This variant is predicted to substitute a glycine residue by a cysteine residue in the alpha 2 chain of collagen type I. Glycine substitutions in the triple helical domain of collagen type I cause disruption in the formation of the triple helix in the collagen molecule and are a typical cause of osteogenesis imperfecta. This variant has not been reported in ClinVar. However, other variants disrupting the same amino acid residue in COL1A2 have been listed as pathogenic in Clinvar. This variant is absent from the Genome Aggregation Database v.2.1.1, indicating it is very rare. Prediction tools (REVEL: 0.97) suggest that the change is detrimental to protein function.